The following is an entry in ClinVar:

NM_001349338.3(FOXP1):c.169C>T (p.Gln57Ter)

Gene: FOXP1 (forkhead box P1; minus strand). Cytogenetic location: 3p13.
Variant type: single nucleotide variant.
Coding change: c.169C>T on transcript NM_001349338.3 (MANE Select); coding-DNA position 169, C replaced by T.
Protein change: p.Gln57Ter; replaces glutamine 57 with a stop codon.
Molecular consequence: nonsense. On other transcripts: non-coding transcript variant (2).
Genome position (GRCh38, 1-based): chr3:71,198,213, G>A on the plus strand (C>T on the coding strand, the complement: FOXP1 is on the minus strand). VCF-style: chr3-71198213-G-A. GRCh37 (hg19) VCF-style: chr3-71247364-G-A.
Other names: c.169C>T, p.Gln57Ter (NM_001012505.2, NM_001244808.3, NM_001244810.2 and 6 more transcripts); short protein forms Q57*.
Identifiers: ClinVar variation 4851600 (VCV004851600.1).

ClinVar aggregate classification (germline): Likely pathogenic (1 of 4 stars; one submission).

Conditions:
Intellectual disability-severe speech delay-mild dysmorphism syndrome (IDDLA). Also called: Mental retardation with language impairment and autistic features; Intellectual developmental disorder with language impairment AND with or without autistic features; FOXP1 Syndrome. Identifiers: Orphanet 391372, MedGen C4013764, MONDO:0013352, OMIM 613670.

Submission:

CGC Genetics, Unilabs
Classification: Likely pathogenic for Intellectual disability-severe speech delay-mild dysmorphism syndrome. Last evaluated: 2025-06-27. Review status: criteria provided, single submitter. Criteria: ACMG Guidelines, 2015. Collection method: clinical testing. Allele origin: germline. Inheritance: Autosomal dominant inheritance. Affected: yes. Observed: 1 variant allele.
Comment: The NM_032682.6:c.169C>T p.(Gln57*) variant, detected in heterozygosity in the FOXP1 gene, has not been previously reported in the literature or in population databases such as gnomAD or ClinVar. This is a nonsense variant located in exon 6 (of 21), which introduces a premature stop codon, predicted to result in a truncated protein and/or reduced expression due to nonsense-mediated mRNA decay. Based on currently available information and current classification guidelines, this variant should be classified as likely pathogenic.